The following is an entry in ClinVar:

NM_019066.5(MAGEL2):c.1386_1387delinsAC (p.Ala463Pro)

Gene: MAGEL2 (MAGE family member L2; minus strand). Cytogenetic location: 15q11.2.
Variant type: Indel.
Coding change: c.1386_1387delinsAC on transcript NM_019066.5 (MANE Select); coding-DNA positions 1386 to 1387, CG replaced by AC.
Protein change: p.Ala463Pro; replaces alanine 463 with proline.
Molecular consequence: missense variant.
Genome position (GRCh38, 1-based): chr15:23,646,356-23,646,357, CG replaced by GT on the plus strand (CG replaced by AC on the coding strand, the reverse complement: MAGEL2 is on the minus strand). VCF-style: chr15-23646356-CG-GT. GRCh37 (hg19) VCF-style: chr15-23891503-CG-GT.
Other names: short protein forms A463P.
Identifiers: ClinVar variation 3715018 (VCV003715018.2).

ClinVar aggregate classification (germline): Uncertain significance (1 of 4 stars; one submission).

Submission:

Labcorp Genetics (formerly Invitae), Labcorp
Classification: Uncertain significance. Last evaluated: 2024-03-05. Review status: criteria provided, single submitter. Criteria: Invitae Variant Classification Sherloc (09022015). Collection method: clinical testing. Allele origin: germline.
Comment: This sequence change replaces alanine, which is neutral and non-polar, with proline, which is neutral and non-polar, at codon 463 of the MAGEL2 protein (p.Ala463Pro). The frequency data for this variant in the population databases is considered unreliable, as metrics indicate insufficient coverage at this position in the gnomAD database. This variant has not been reported in the literature in individuals affected with MAGEL2-related conditions. Experimental studies and prediction algorithms are not available or were not evaluated, and the functional significance of this variant is currently unknown. In summary, the available evidence is currently insufficient to determine the role of this variant in disease. Therefore, it has been classified as a Variant of Uncertain Significance.